The following is an entry in ClinVar:

NM_153603.4(COG7):c.1409+202C>T

Gene: COG7 (component of oligomeric golgi complex 7; minus strand). Cytogenetic location: 16p12.2.
Variant type: single nucleotide variant.
Coding change: c.1409+202C>T on transcript NM_153603.4 (MANE Select); 202 bases into the intron after coding-DNA position 1409, C replaced by T.
Molecular consequence: intron variant.
Genome position (GRCh38, 1-based): chr16:23,413,246, G>A on the plus strand (C>T on the coding strand, the complement: COG7 is on the minus strand). VCF-style: chr16-23413246-G-A. GRCh37 (hg19) VCF-style: chr16-23424567-G-A.
Identifiers: ClinVar variation 1707076 (VCV001707076.2), dbSNP rs186269824, ClinGen allele CA279518403.

ClinVar aggregate classification (germline): Likely benign (1 of 4 stars; one submission).

Allele frequency attached by ClinVar (database versions not stated): 1000 Genomes Project 0.00180; 1000 Genomes Project 30x 0.00203; TOPMed 0.00292; gnomAD 0.00436; gnomAD exomes 0.00583.
gnomAD v4.1: 2,960 of 548,916 alleles (0.54%); highest among the groups gnomAD compares: Non-Finnish European, 0.65%; 16 homozygotes.

Submission:

GeneDx
Classification: Likely benign. Last evaluated: 2020-03-31. Review status: criteria provided, single submitter. Criteria: GeneDx Variant Classification Process June 2021. Collection method: clinical testing. Allele origin: germline. Affected: yes.
Comment: See Variant Classification Assertion Criteria.